The following is an entry in ClinVar:

NM_002292.4(LAMB2):c.2891G>A (p.Arg964Gln)

Gene: LAMB2 (laminin subunit beta 2; minus strand). Cytogenetic location: 3p21.31.
Variant type: single nucleotide variant.
Coding change: c.2891G>A on transcript NM_002292.4 (MANE Select); coding-DNA position 2891, G replaced by A.
Protein change: p.Arg964Gln; replaces arginine 964 with glutamine.
Molecular consequence: missense variant.
Genome position (GRCh38, 1-based): chr3:49,124,919, C>T on the plus strand (G>A on the coding strand, the complement: LAMB2 is on the minus strand). VCF-style: chr3-49124919-C-T. GRCh37 (hg19) VCF-style: chr3-49162352-C-T.
Other names: short protein forms R964Q.
Identifiers: ClinVar variation 1377911 (VCV001377911.6), dbSNP rs774551290, ClinGen allele CA2394167.

ClinVar aggregate classification (germline): Uncertain significance (1 of 4 stars; one submission).

Conditions:
LAMB2-related infantile-onset nephrotic syndrome. Also called: Nephrotic Syndrome, type 5; NEPHROTIC SYNDROME, TYPE 5, WITHOUT OCULAR ABNORMALITIES; NEPHROTIC SYNDROME, TYPE 5, WITH OCULAR ABNORMALITIES. Identifiers: Orphanet 306507, MedGen C3280113, MONDO:0013621, OMIM 614199.
Pierson syndrome. Also called: MICROCORIA-CONGENITAL NEPHROTIC SYNDROME. Identifiers: Orphanet 2670, MedGen C1836876, MONDO:0012184, OMIM 609049.

Allele frequency attached by ClinVar (database versions not stated): ExAC 0.00002; gnomAD 0.00002.
gnomAD v4.1: 22 of 1,613,920 alleles (0.0014%); highest among the groups gnomAD compares: Admixed American, 0.02%; no homozygotes.

Submission:

Labcorp Genetics (formerly Invitae), Labcorp
Classification: Uncertain significance for LAMB2-related infantile-onset nephrotic syndrome; Pierson syndrome. Last evaluated: 2022-07-23. Review status: criteria provided, single submitter. Criteria: Invitae Variant Classification Sherloc (09022015). Collection method: clinical testing. Allele origin: germline.
Comment: ClinVar contains an entry for this variant (Variation ID: 1377911). This variant has not been reported in the literature in individuals affected with LAMB2-related conditions. This variant is present in population databases (rs774551290, gnomAD 0.03%). This sequence change replaces arginine, which is basic and polar, with glutamine, which is neutral and polar, at codon 964 of the LAMB2 protein (p.Arg964Gln). Algorithms developed to predict the effect of missense changes on protein structure and function (SIFT, PolyPhen-2, Align-GVGD) all suggest that this variant is likely to be disruptive. In summary, the available evidence is currently insufficient to determine the role of this variant in disease. Therefore, it has been classified as a Variant of Uncertain Significance.